The following is an entry in ClinVar:

NM_022772.4(EPS8L2):c.827C>T (p.Ala276Val)

Gene: EPS8L2 (EPS8 signaling adaptor L2; plus strand). Cytogenetic location: 11p15.5.
Variant type: single nucleotide variant.
Coding change: c.827C>T on transcript NM_022772.4 (MANE Select); coding-DNA position 827, C replaced by T.
Protein change: p.Ala276Val; replaces alanine 276 with valine.
Molecular consequence: missense variant.
Genome position (GRCh38, 1-based): chr11:721,623, C>T. VCF-style: chr11-721623-C-T. GRCh37 (hg19) VCF-style: chr11-721623-C-T.
Other names: short protein forms A276V.
Identifiers: ClinVar variation 1378628 (VCV001378628.8), dbSNP rs2133528985, ClinGen allele CA378968456.

ClinVar aggregate classification (germline): Uncertain significance (1 of 4 stars; one submission).

Allele frequency attached by ClinVar (database versions not stated): gnomAD exomes below 0.00001.

Submission:

Labcorp Genetics (formerly Invitae), Labcorp
Classification: Uncertain significance. Last evaluated: 2024-03-11. Review status: criteria provided, single submitter. Criteria: Invitae Variant Classification Sherloc (09022015). Collection method: clinical testing. Allele origin: germline.
Comment: This sequence change replaces alanine, which is neutral and non-polar, with valine, which is neutral and non-polar, at codon 276 of the EPS8L2 protein (p.Ala276Val). This variant is not present in population databases (gnomAD no frequency). This variant has not been reported in the literature in individuals affected with EPS8L2-related conditions. ClinVar contains an entry for this variant (Variation ID: 1378628). An algorithm developed to predict the effect of missense changes on protein structure and function (PolyPhen-2) suggests that this variant is likely to be disruptive. In summary, the available evidence is currently insufficient to determine the role of this variant in disease. Therefore, it has been classified as a Variant of Uncertain Significance.